The following is an entry in ClinVar:

NM_002900.3(RBP3):c.664G>A (p.Gly222Ser)

Gene: RBP3 (retinol binding protein 3; plus strand). Cytogenetic location: 10q11.22.
Variant type: single nucleotide variant.
Coding change: c.664G>A on transcript NM_002900.3 (MANE Select); coding-DNA position 664, G replaced by A.
Protein change: p.Gly222Ser; replaces glycine 222 with serine.
Molecular consequence: missense variant.
Genome position (GRCh38, 1-based): chr10:47,349,148, G>A. VCF-style: chr10-47349148-G-A. GRCh37 (hg19) VCF-style: chr10-48390214-C-T.
Other names: short protein forms G222S.
Identifiers: ClinVar variation 964118 (VCV000964118.10), dbSNP rs527361141, ClinGen allele CA5487731.

ClinVar aggregate classification (germline): Conflicting classifications of pathogenicity. Review status: criteria provided, conflicting classifications (1 of 4 stars). 3 submissions from 3 submitters: Uncertain significance (2); Likely benign (1). Last evaluated 2025-11-02.

Conditions:
Inborn genetic diseases. Identifiers: MedGen C0950123, MeSH D030342.

Allele frequency attached by ClinVar (database versions not stated): gnomAD 0.00003; gnomAD exomes 0.00004; TOPMed 0.00005; ExAC 0.00007; 1000 Genomes Project 30x 0.00016; 1000 Genomes Project 0.00020.
gnomAD v4.1: 28 of 1,613,946 alleles (0.0017%); highest among the groups gnomAD compares: Middle Eastern, 0.033%; no homozygotes.

Submissions (3):

Ambry Genetics
Classification: Likely benign for Inborn genetic diseases. Last evaluated: 2025-11-02. Review status: criteria provided, single submitter. Criteria: Ambry Variant Classification Scheme 2023. Collection method: clinical testing. Allele origin: germline.

Labcorp Genetics (formerly Invitae), Labcorp
Classification: Uncertain significance. Last evaluated: 2024-10-21. Review status: criteria provided, single submitter. Criteria: Invitae Variant Classification Sherloc (09022015). Collection method: clinical testing. Allele origin: germline.
Comment: This sequence change replaces glycine, which is neutral and non-polar, with serine, which is neutral and polar, at codon 222 of the RBP3 protein (p.Gly222Ser). This variant is present in population databases (rs527361141, gnomAD 0.02%). This variant has not been reported in the literature in individuals affected with RBP3-related conditions. ClinVar contains an entry for this variant (Variation ID: 964118). Invitae Evidence Modeling of protein sequence and biophysical properties (such as structural, functional, and spatial information, amino acid conservation, physicochemical variation, residue mobility, and thermodynamic stability) indicates that this missense variant is not expected to disrupt RBP3 protein function with a negative predictive value of 80%. In summary, the available evidence is currently insufficient to determine the role of this variant in disease. Therefore, it has been classified as a Variant of Uncertain Significance.

Blueprint Genetics
Classification: Uncertain significance. Last evaluated: 2021-11-11. Review status: criteria provided, single submitter. Criteria: ACMG Guidelines, 2015. Collection method: clinical testing. Allele origin: germline.